The following is an entry in ClinVar:

NM_212552.2(BOLA3):c.-164G>C

Genes: BOLA3 (bolA family member 3; minus strand), BOLA3-DT (BOLA3 divergent transcript; plus strand). Cytogenetic location: 2p13.1.
Variant type: single nucleotide variant.
Coding change: c.-164G>C on transcript NM_212552.2; 164 bases upstream of the start codon, G replaced by C.
Molecular consequence: non-coding transcript variant (on NR_045634.1).
Genome position (GRCh38, 1-based): chr2:74,148,038, C>G on the plus strand (G>C on the coding strand, the complement: BOLA3 is on the minus strand). VCF-style: chr2-74148038-C-G. GRCh37 (hg19) VCF-style: chr2-74375165-C-G.
Identifiers: ClinVar variation 676829 (VCV000676829.4), dbSNP rs72917141, ClinGen allele CA50436190.

ClinVar aggregate classification (germline): Likely benign. Review status: criteria provided, multiple submitters, no conflicts (2 of 4 stars). 2 submissions from 2 submitters: Likely benign (2). Last evaluated 2018-06-16.

Allele frequency attached by ClinVar (database versions not stated): gnomAD 0.01413 and 0.01318; 1000 Genomes Project 0.01697; TOPMed 0.01466; gnomAD exomes 0.00105.

Submissions (2):

GeneDx
Classification: Likely benign. Last evaluated: 2018-06-16. Review status: criteria provided, single submitter. Criteria: GeneDx Variant Classification (06012015). Collection method: clinical testing. Allele origin: germline. Affected: yes.
Comment: This variant is considered likely benign or benign based on one or more of the following criteria: it is a conservative change, it occurs at a poorly conserved position in the protein, it is predicted to be benign by multiple in silico algorithms, and/or has population frequency not consistent with disease.

Breakthrough Genomics
Classification: Likely benign. Review status: criteria provided, single submitter. Criteria: ACMG Guidelines, 2015. Collection method: not provided. Allele origin: germline. Inheritance: Autosomal recessive inheritance. Affected: yes.